The following is an entry in ClinVar:

NM_002382.5(MAX):c.125G>C (p.Ser42Thr)

Genes: MAX (MYC associated transcriptional regulator X; minus strand), MAX-AS1 (MAX antisense RNA 1; plus strand). Cytogenetic location: 14q23.3.
Variant type: single nucleotide variant.
Coding change: c.125G>C on transcript NM_002382.5 (MANE Select); coding-DNA position 125, G replaced by C.
Protein change: p.Ser42Thr; replaces serine 42 with threonine.
Molecular consequence: missense variant. On other transcripts: 5 prime UTR variant (6), non-coding transcript variant (12), intron variant (1).
Genome position (GRCh38, 1-based): chr14:65,093,754, C>G on the plus strand (G>C on the coding strand, the complement: MAX is on the minus strand). VCF-style: chr14-65093754-C-G. GRCh37 (hg19) VCF-style: chr14-65560472-C-G.
Other names: c.125G>C, p.Ser42Thr (NM_001407096.1, NM_001407097.1, NM_001407103.1 and 5 more transcripts); c.98G>C, p.Ser33Thr (NM_001407099.1, NM_001407100.1, NM_001407101.1 and 9 more transcripts); c.-150G>C (NM_001407105.1, NM_001407106.1, NM_001407107.1 and 1 more transcripts); c.-243G>C (NM_001407111.1, NM_001407112.1); c.148G>C, p.Ala50Pro (NM_001407114.1); c.63+7792G>C (NM_001407098.1); short protein forms A50P, S33T, S42T.
Identifiers: ClinVar variation 2718113 (VCV002718113.4), dbSNP rs2139884337, ClinGen allele CA390037697.

ClinVar aggregate classification (germline): Uncertain significance. Review status: criteria provided, multiple submitters, no conflicts (2 of 4 stars). 2 submissions from 2 submitters: Uncertain significance (2). Last evaluated 2025-03-17.

Conditions:
Hereditary cancer-predisposing syndrome. Also called: Hereditary neoplastic syndrome; Neoplastic Syndromes, Hereditary; Tumor predisposition; Hereditary Cancer Syndrome. Identifiers: Orphanet 140162, MedGen C0027672, MeSH D009386, MONDO:0015356.
Hereditary pheochromocytoma and paraganglioma. Also called: Hereditary Paraganglioma-Pheochromocytoma Syndromes; Hereditary pheochromocytoma-paraganglioma; Hereditary paragangliomas and pheochromocytomas. Identifiers: Orphanet 29072, MedGen C4274332, MONDO:0017366.

Submissions (2):

Ambry Genetics
Classification: Uncertain significance for Hereditary cancer-predisposing syndrome. Last evaluated: 2025-03-17. Review status: criteria provided, single submitter. Criteria: Ambry Variant Classification Scheme 2023. Collection method: clinical testing. Allele origin: germline.
Comment: The p.S42T variant (also known as c.125G>C), located in coding exon 3 of the MAX gene, results from a G to C substitution at nucleotide position 125. The serine at codon 42 is replaced by threonine, an amino acid with similar properties. This amino acid position is conserved. In addition, the in silico prediction for this alteration is inconclusive. Based on the available evidence, the clinical significance of this variant remains unclear.

Labcorp Genetics (formerly Invitae), Labcorp
Classification: Uncertain significance for Hereditary pheochromocytoma and paraganglioma. Last evaluated: 2023-06-17. Review status: criteria provided, single submitter. Criteria: Invitae Variant Classification Sherloc (09022015). Collection method: clinical testing. Allele origin: germline.
Comment: In summary, the available evidence is currently insufficient to determine the role of this variant in disease. Therefore, it has been classified as a Variant of Uncertain Significance. An algorithm developed to predict the effect of missense changes on protein structure and function (PolyPhen-2) suggests that this variant is likely to be disruptive. This variant has not been reported in the literature in individuals affected with MAX-related conditions. This variant is not present in population databases (gnomAD no frequency). This sequence change replaces serine, which is neutral and polar, with threonine, which is neutral and polar, at codon 42 of the MAX protein (p.Ser42Thr).